The following is an entry in ClinVar:

NM_001270974.2(HYDIN):c.10441C>T (p.Arg3481Trp)

Gene: HYDIN (HYDIN axonemal central pair apparatus protein; minus strand). Cytogenetic location: 16q22.2.
Variant type: single nucleotide variant.
Coding change: c.10441C>T on transcript NM_001270974.2 (MANE Select); coding-DNA position 10441, C replaced by T.
Protein change: p.Arg3481Trp; replaces arginine 3481 with tryptophan.
Molecular consequence: missense variant.
Genome position (GRCh38, 1-based): chr16:70,879,413, G>A on the plus strand (C>T on the coding strand, the complement: HYDIN is on the minus strand). VCF-style: chr16-70879413-G-A. GRCh37 (hg19) VCF-style: chr16-70913316-G-A.
Other names: short protein forms R3481W.
Identifiers: ClinVar variation 2663956 (VCV002663956.4), dbSNP rs76078590, ClinGen allele CA8149260.

ClinVar aggregate classification (germline): Uncertain significance (1 of 4 stars; one submission).

Conditions:
Primary ciliary dyskinesia 5. Also called: CILIARY DYSKINESIA, PRIMARY, 5, WITHOUT SITUS INVERSUS. Identifiers: Orphanet 244, MedGen C1837615, MONDO:0012088, OMIM 608647.

Allele frequency attached by ClinVar (database versions not stated): gnomAD 0.00001; gnomAD exomes 0.00002; ExAC 0.00004.
gnomAD v4.1: 36 of 1,600,110 alleles (0.0022%); highest among the groups gnomAD compares: East Asian, 0.0045%; no homozygotes.

Submission:

Neuberg Centre For Genomic Medicine, NCGM
Classification: Uncertain significance for Primary ciliary dyskinesia 5. Review status: criteria provided, single submitter. Criteria: ACMG Guidelines, 2015. Collection method: clinical testing. Allele origin: germline. Inheritance: Autosomal recessive inheritance. Affected: yes.
Comment: The observed missense c.10441C>T(p.Arg3481Trp) variant in HYDIN gene has not been reported previously as a pathogenic variant nor as a benign variant, to our knowledge. This variant is reported with the allele frequency of 0.003% in the gnomAD Exomes. The amino acid Arg at position 3481 is changed to a Trp changing protein sequence and it might alter its composition and physico-chemical properties. The amino acid change p.Arg3481Trp in HYDIN is predicted as conserved by GERP++ and PhyloP across 100 vertebrates. The variant is predicted as damaging by SIFT. For these reasons, this variant has been classified as Uncertain Significance.